The following is an entry in ClinVar:

NM_000368.5(TSC1):c.1132G>C (p.Gly378Arg)

Gene: TSC1 (TSC complex subunit 1; minus strand). Cytogenetic location: 9q34.13.
Variant type: single nucleotide variant.
Coding change: c.1132G>C on transcript NM_000368.5 (MANE Select); coding-DNA position 1132, G replaced by C.
Protein change: p.Gly378Arg; replaces glycine 378 with arginine.
Molecular consequence: missense variant. On other transcripts: non-coding transcript variant (5).
Genome position (GRCh38, 1-based): chr9:132,911,011, C>G on the plus strand (G>C on the coding strand, the complement: TSC1 is on the minus strand). VCF-style: chr9-132911011-C-G. GRCh37 (hg19) VCF-style: chr9-135786398-C-G.
Other names: c.1132G>C, p.Gly378Arg (NM_001406602.1, NM_001406603.1, NM_001406604.1 and 16 more transcripts); c.979G>C, p.Gly327Arg (NM_001406610.1, NM_001406611.1, NM_001162427.2 and 2 more transcripts); c.769G>C, p.Gly257Arg (NM_001406621.1, NM_001406622.1, NM_001406623.1 and 10 more transcripts); c.181G>C, p.Gly61Arg (NM_001406626.1, NM_001406627.1, NM_001406628.1); c.82G>C, p.Gly28Arg (NM_001406629.1, NM_001406630.1); short protein forms G28R, G327R, G378R, G257R, G61R.
Identifiers: ClinVar variation 3974528 (VCV003974528.1).

ClinVar aggregate classification (germline): Uncertain significance (1 of 4 stars; one submission).

Conditions:
Hereditary cancer-predisposing syndrome. Also called: Tumor predisposition; Hereditary neoplastic syndrome; Hereditary Cancer Syndrome; Neoplastic Syndromes, Hereditary. Identifiers: Orphanet 140162, MedGen C0027672, MeSH D009386, MONDO:0015356.

Submission:

Ambry Genetics
Classification: Uncertain significance for Hereditary cancer-predisposing syndrome. Last evaluated: 2025-04-19. Review status: criteria provided, single submitter. Criteria: Ambry Variant Classification Scheme 2023. Collection method: clinical testing. Allele origin: germline.
Comment: The p.G378R variant (also known as c.1132G>C), located in coding exon 9 of the TSC1 gene, results from a G to C substitution at nucleotide position 1132. The glycine at codon 378 is replaced by arginine, an amino acid with dissimilar properties. This amino acid position is conserved. In addition, the in silico prediction for this alteration is inconclusive. Based on the available evidence, the clinical significance of this variant remains unclear.